The following is an entry in ClinVar:

NM_001289808.2(CRYAB):c.227C>T (p.Ser76Phe)

Gene: CRYAB (crystallin alpha B; minus strand). Cytogenetic location: 11q23.1.
Variant type: single nucleotide variant.
Coding change: c.227C>T on transcript NM_001289808.2 (MANE Select); coding-DNA position 227, C replaced by T.
Protein change: p.Ser76Phe; replaces serine 76 with phenylalanine.
Molecular consequence: missense variant.
Genome position (GRCh38, 1-based): chr11:111,910,424, G>A on the plus strand (C>T on the coding strand, the complement: CRYAB is on the minus strand). VCF-style: chr11-111910424-G-A. GRCh37 (hg19) VCF-style: chr11-111781148-G-A.
Other names: c.227C>T, p.Ser76Phe (NM_001289807.1, NM_001368245.1, NM_001885.3); c.26C>T, p.Ser9Phe (NM_001330379.1, NM_001368246.1); short protein forms S9F, S76F.
Identifiers: ClinVar variation 4778520 (VCV004778520.1).

ClinVar aggregate classification (germline): Uncertain significance (1 of 4 stars; one submission).

Conditions:
Dilated cardiomyopathy 1II (CMD1II). Identifiers: Orphanet 154, MedGen C3554649, MONDO:0014073, OMIM 615184.

Submission:

Labcorp Genetics (formerly Invitae), Labcorp
Classification: Uncertain significance for Dilated cardiomyopathy 1II. Last evaluated: 2025-07-02. Review status: criteria provided, single submitter. Criteria: Invitae Variant Classification Sherloc (09022015). Collection method: clinical testing. Allele origin: germline.
Comment: This sequence change replaces serine, which is neutral and polar, with phenylalanine, which is neutral and non-polar, at codon 76 of the CRYAB protein (p.Ser76Phe). This variant is not present in population databases (gnomAD no frequency). This variant has not been reported in the literature in individuals affected with CRYAB-related conditions. An algorithm developed to predict the effect of missense changes on protein structure and function (PolyPhen-2) suggests that this variant is likely to be tolerated. In summary, the available evidence is currently insufficient to determine the role of this variant in disease. Therefore, it has been classified as a Variant of Uncertain Significance.